The following is an entry in ClinVar:

NM_201253.3(CRB1):c.2132_2133del (p.Tyr711fs)

Gene: CRB1 (crumbs cell polarity complex component 1; plus strand). Cytogenetic location: 1q31.3.
Variant type: Deletion.
Coding change: c.2132_2133del on transcript NM_201253.3 (MANE Select); coding-DNA positions 2132 to 2133, 2 bases deleted (AT; older notation c.2132_2133delAT).
Protein change: p.Tyr711fs; shifts the reading frame from tyrosine 711.
Molecular consequence: frameshift variant. On other transcripts: non-coding transcript variant (2), intron variant (1).
Genome position (GRCh38, 1-based): chr1:197,427,457-197,427,458, AT deleted; deleting any 2 consecutive bases within chr1:197,427,456-197,427,458 gives the same sequence; the c. name uses the placement nearest the transcript's 3' end. VCF-style (leftmost placement, unchanged base first): chr1-197427455-GTA-G. GRCh37 (hg19) VCF-style: chr1-197396585-GTA-G.
Other names: c.1796_1797del, p.Tyr599fs (NM_001193640.2); c.1925_1926del, p.Tyr642fs (NM_001257965.2); c.2128+5501_2128+5502del (NM_001257966.2); short protein forms Y599fs, Y642fs, Y711fs.
Identifiers: ClinVar variation 1928755 (VCV001928755.5), dbSNP rs2528146906, ClinGen allele CA2580061815.

ClinVar aggregate classification (germline): Pathogenic (1 of 4 stars; one submission).

Conditions:
Retinitis pigmentosa 12 (RP12). Also called: RP WITH OR WITHOUT PRESERVED PARAARTERIOLE RETINAL PIGMENT EPITHELIUM; RETINITIS PIGMENTOSA WITH OR WITHOUT PARAARTERIOLAR PRESERVATION OF RETINAL PIGMENT EPITHELIUM; RP WITH OR WITHOUT PPRPE. Identifiers: Orphanet 791, MedGen C1838647, MONDO:0010818, OMIM 600105.
Leber congenital amaurosis 8 (LCA8). Identifiers: Orphanet 65, MedGen C3151202, MONDO:0013453, OMIM 613835.

Submission:

Labcorp Genetics (formerly Invitae), Labcorp
Classification: Pathogenic for Leber congenital amaurosis 8; Retinitis pigmentosa 12. Last evaluated: 2022-04-01. Review status: criteria provided, single submitter. Criteria: Invitae Variant Classification Sherloc (09022015). Collection method: clinical testing. Allele origin: germline.
Comment: For these reasons, this variant has been classified as Pathogenic. This variant has not been reported in the literature in individuals affected with CRB1-related conditions. This variant is not present in population databases (gnomAD no frequency). This sequence change creates a premature translational stop signal (p.Tyr711Cysfs*9) in the CRB1 gene. It is expected to result in an absent or disrupted protein product. Loss-of-function variants in CRB1 are known to be pathogenic (PMID: 10508521, 22065545, 23379534, 25412400, 26957898, 28041643, 29391521).

Literature cited by the submitters: PubMed 10508521; PubMed 22065545; PubMed 23379534; PubMed 25412400; PubMed 26957898; PubMed 28041643; PubMed 29391521.